The following is an entry in ClinVar:

ClinVar aggregate classification (germline): Likely pathogenic (1 of 4 stars; one submission).

Conditions:
Rhabdoid tumor predisposition syndrome 2 (RTPS2). Identifiers: Orphanet 231108, Orphanet 69077, MedGen C2750074, MONDO:0013224, OMIM 613325.

Submission:

Labcorp Genetics (formerly Invitae), Labcorp
Classification: Likely pathogenic for Rhabdoid tumor predisposition syndrome 2. Last evaluated: 2019-12-06. Review status: criteria provided, single submitter. Criteria: Invitae Variant Classification Sherloc (09022015). Collection method: clinical testing. Allele origin: germline.
Comment: In summary, the currently available evidence indicates that the variant is pathogenic, but additional data are needed to prove that conclusively. Therefore, this variant has been classified as Likely Pathogenic. Experimental studies and prediction algorithms are not available or were not evaluated, and the functional significance of this variant is currently unknown. This variant has been observed in individual(s) with clinical features of Coffin-Siris syndrome (Invitae). In at least one individual the variant was observed to be de novo. The frequency data for this variant in the population databases is not available, as this variant may be reported as separate entries in the ExAC database. This variant, c.3422_3427delinsTCTTCT, is a complex sequence change that results in the deletion of 3 amino acids and insertion of 3 amino acids in the SMARCA4 protein (p.Thr1141_Asn1143delinsIlePheTyr).

NM_003072.5(SMARCA4):c.3422_3427delinsTCTTCT (p.Thr1141_Asn1143delinsIlePheTyr)

Gene: SMARCA4 (SWI/SNF related BAF chromatin remodeling complex subunit ATPase 4; plus strand). Cytogenetic location: 19p13.2.
Variant type: Indel.
Coding change: c.3422_3427delinsTCTTCT on transcript NM_003072.5 (MANE Select); coding-DNA positions 3422 to 3427, CCTTCA replaced by TCTTCT.
Protein change: p.Thr1141_Asn1143delinsIlePheTyr.
Molecular consequence: missense variant. On other transcripts: non-coding transcript variant (1).
Genome position (GRCh38, 1-based): chr19:11,030,769-11,030,774, CCTTCA replaced by TCTTCT. VCF-style: chr19-11030769-CCTTCA-TCTTCT. GRCh37 (hg19) VCF-style: chr19-11141445-CCTTCA-TCTTCT.
Other names: c.3422_3427delinsTCTTCT, p.Thr1141_Asn1143delinsIlePheTyr (NM_001128844.3, NM_001128845.2, NM_001128846.2 and 4 more transcripts).
Identifiers: ClinVar variation 972043 (VCV000972043.6), dbSNP rs2074872521, ClinGen allele CA1139666278.
Genomic context (GRCh38, chr19:11,030,769, plus strand): 5'-GTTCTCCTCTGTGCCCGTCAGGAACCACGAAGGCGGAGGACCGGGGCATGCTGCTGAAAA[CCTTCA>TCTTCT]ACGAGCCCGGCTCTGAGTACTTCATCTTCCTGCTCAGCACCCGGGCTGGGGGGCTCGGCC-3'